The following is an entry in ClinVar:

ClinVar aggregate classification (germline): Likely benign (1 of 4 stars; one submission).

Conditions:
Telangiectasia, hereditary hemorrhagic, type 2 (HHT2). Also called: ACVRL1-Related Hereditary Hemorrhagic Telangiectasia; Telangiectasia, hereditary hemorrhagic, type II. Identifiers: Orphanet 774, MedGen C1838163, MONDO:0010880, OMIM 600376. Disease mechanism: loss of function.

Allele frequency attached by ClinVar (database versions not stated): gnomAD 0.00016 and 0.00020; TOPMed 0.00022; 1000 Genomes Project 30x 0.00078; 1000 Genomes Project 0.00100.

Submission:

Illumina Laboratory Services, Illumina
Classification: Likely benign for Telangiectasia, hereditary hemorrhagic, type 2. Last evaluated: 2018-01-12. Review status: criteria provided, single submitter. Criteria: ICSL Variant Classification Criteria 13 December 2019. Collection method: clinical testing. Allele origin: germline.
Comment: This variant was observed in the ICSL laboratory as part of a predisposition screen in an ostensibly healthy population. It had not been previously curated by ICSL or reported in the Human Gene Mutation Database (HGMD: prior to June 1st, 2018), and was therefore a candidate for classification through an automated scoring system. Utilizing variant allele frequency, disease prevalence and penetrance estimates, and inheritance mode, an automated score was calculated to assess if this variant is too frequent to cause the disease. Based on the score and internal cut-off values, a variant classified as likely benign is not then subjected to further curation. The score for this variant resulted in a classification of likely benign for this disease.

NM_000020.3(ACVRL1):c.*823C>T

Gene: ACVRL1 (activin A receptor like type 1; plus strand). Cytogenetic location: 12q13.13.
Variant type: single nucleotide variant.
Coding change: c.*823C>T on transcript NM_000020.3 (MANE Select); 823 bases downstream of the stop codon, C replaced by T.
Molecular consequence: 3 prime UTR variant.
Genome position (GRCh38, 1-based): chr12:51,921,716, C>T. VCF-style: chr12-51921716-C-T. GRCh37 (hg19) VCF-style: chr12-52315500-C-T.
Other names: c.*823C>T (NM_001077401.2).
Identifiers: ClinVar variation 881900 (VCV000881900.4), dbSNP rs117777735, ClinGen allele CA236368291.
Genomic context (GRCh38, chr12:51,921,716, plus strand): 5'-GAGACCCAGGTCTGACCCCGGATGTTTGCTCCATGTGACAAAAGCAGGCCTGTCTCAGGA[C>T]CTTTTCTTTTCTTTTTTCCTTCTTTTTTTTTTTGACACGGAGTTTCGCTCTTGTTGTCCA-3'